The following is an entry in ClinVar:

ClinVar aggregate classification (germline): Pathogenic (1 of 4 stars; one submission).

Conditions:
Primary ciliary dyskinesia 32. Also called: CILIARY DYSKINESIA, PRIMARY, 32, WITHOUT SITUS INVERSUS. Identifiers: Orphanet 244, MedGen C4225311, MONDO:0014657, OMIM 616481.

Allele frequency attached by ClinVar (database versions not stated): gnomAD exomes below 0.00001 and 0.00001; ExAC 0.00001.
gnomAD v4.1: 6 of 1,611,818 alleles (0.00037%); highest among the groups gnomAD compares: Non-Finnish European, 0.00051%; no homozygotes.

Submission:

Labcorp Genetics (formerly Invitae), Labcorp
Classification: Pathogenic for Primary ciliary dyskinesia 32. Last evaluated: 2025-11-17. Review status: criteria provided, single submitter. Criteria: Invitae Variant Classification Sherloc (09022015). Collection method: clinical testing. Allele origin: germline.
Comment: This sequence change creates a premature translational stop signal (p.Arg199*) in the RSPH3 gene. It is expected to result in an absent or disrupted protein product. Loss-of-function variants in RSPH3 are known to be pathogenic (PMID: 26073779). This variant is not present in population databases (gnomAD no frequency). This variant has not been reported in the literature in individuals affected with RSPH3-related conditions. ClinVar contains an entry for this variant (Variation ID: 650363). Algorithms developed to predict the effect of sequence changes on RNA splicing suggest that this variant may disrupt the consensus splice site. For these reasons, this variant has been classified as Pathogenic.

Literature cited by the submitters: PubMed 26073779.

NM_031924.8(RSPH3):c.169C>T (p.Arg57Ter)

Gene: RSPH3 (radial spoke head 3; minus strand). Cytogenetic location: 6q25.3.
Variant type: single nucleotide variant.
Coding change: c.169C>T on transcript NM_031924.8 (MANE Select); coding-DNA position 169, C replaced by T.
Protein change: p.Arg57Ter; replaces arginine 57 with a stop codon.
Molecular consequence: nonsense. On other transcripts: non-coding transcript variant (1).
Genome position (GRCh38, 1-based): chr6:158,993,874, G>A on the plus strand (C>T on the coding strand, the complement: RSPH3 is on the minus strand). VCF-style: chr6-158993874-G-A. GRCh37 (hg19) VCF-style: chr6-159414906-G-A.
Other names: c.595C>T, p.Arg199Ter (NM_001346418.1); short protein forms R199*, R57*.
Identifiers: ClinVar variation 650363 (VCV000650363.6), dbSNP rs760122351, ClinGen allele CA4075976.